The following is an entry in ClinVar:

ClinVar aggregate classification (germline): Likely pathogenic. Review status: reviewed by expert panel (3 of 4 stars). 2 submissions from 2 submitters: Likely pathogenic (1). 1 of the submissions does not count toward it. Last evaluated 2024-05-09.

Conditions:
Hereditary factor IX deficiency disease (HEMB). Also called: F9 DEFICIENCY; FACTOR IX DEFICIENCY; Christmas Disease; PLASMA THROMBOPLASTIN COMPONENT DEFICIENCY; Hemophilia B. Identifiers: Orphanet 98879, MedGen C0008533, MeSH D002836, MONDO:0010604, OMIM 306900.
Thrombophilia, X-linked, due to factor 9 defect. Identifiers: MedGen C2749016, MONDO:0010432, OMIM 300807.

Submissions (2):

ClinGen Coagulation Factor Deficiency Variant Curation Expert Panel, Clingen
Classification: Likely pathogenic for Hereditary factor IX deficiency disease. Last evaluated: 2024-05-09. Review status: reviewed by expert panel. Criteria: ClinGen CoagFactor ACMG Specifications F9 V1.0.0. Collection method: curation. Allele origin: germline. Inheritance: X-linked inheritance.
Comment: The c.88G>A (NM_000133.3) variant in F9 is a missense variant predicted to cause substitution of Valine by Isoleucine at amino acid 30 (p.Val30Ile). This variant has been reported in at least 5 probands meeting the hemophilia B phenotype criteria specified by the Coagulation Factor Deficiency VCEP (PS4; PMID: 10094553, 23093250, 1680287, 11122099). This variant is absent from gnomAD v2.1.1 and v3.1.2 (PM2_Supporting). Secreted conformation-specific reporter (SCSR) assay in HEK293T cells showed decreased SCSR level at ~60% of that of the WT, indicating that this variant impacts protein function (PMID: 32766856; the study is approved by the VCEP, applicable at the Supporting strength; PS3_Supporting). The computational predictor REVEL gives a score of 0.787, which is above the threshold of 0.6, evidence that correlates with impact to F9 function. The variant is the last amino acid of exon 1. The computational splicing predictor SpliceAI gives a score of 0.96 for donor loss, predicting that the variant disrupts the donor splice site of intron 1 of F9 (PP3). In summary, this variant meets the criteria to be classified as Likely Pathogenic for X-linked recessive hemophilia B based on the ACMG/AMP criteria applied, as specified by the ClinGen Coagulation Factor Deficiency VCEP: PS4, PP3, PS3_Supporting, PM2_Supporting. (ClinGen Coagulation Factor Deficiency Expert Panel Specifications to the ACMG/AMP Variant Interpretation Guidelines for F9 Version 1.0.0., Released 10/5/2023)

Labcorp Genetics (formerly Invitae), Labcorp
Classification: Pathogenic for Thrombophilia, X-linked, due to factor 9 defect; Hereditary factor IX deficiency disease. Last evaluated: 2018-11-07. Review status: criteria provided, single submitter. Criteria: Invitae Variant Classification Sherloc (09022015). Collection method: clinical testing. Allele origin: germline. Not counted in ClinVar's aggregate classification.
Comment: Algorithms developed to predict the effect of missense changes on protein structure and function (SIFT, PolyPhen-2, Align-GVGD) all suggest that this variant is likely to be disruptive, but these predictions have not been confirmed by published functional studies and their clinical significance is uncertain. This variant has been observed in several individuals affected with hemophilia B (PMID: 1680287, 23093250, 11122099, 10094553). This variant is also known as c.117G>A (p.Val17Ile) in the literature. This variant is not present in population databases (ExAC no frequency). This sequence change replaces valine with isoleucine at codon 30 of the F9 protein (p.Val30Ile). The valine residue is highly conserved and there is a small physicochemical difference between valine and isoleucine. This variant also falls at the last nucleotide of exon 1 of the F9 coding sequence, which is part of the consensus splice site for this exon. For these reasons, this variant has been classified as Pathogenic. Nucleotide substitutions within the consensus splice site are a relatively common cause of aberrant splicing (PMID: 17576681, 9536098). Algorithms developed to predict the effect of sequence changes on RNA splicing suggest that this variant may disrupt the consensus splice site, but this prediction has not been confirmed by published transcriptional studies.

Literature cited by the submitters: PubMed 1680287 (cited by Labcorp Genetics (formerly Invitae), Labcorp); PubMed 23093250 (cited by Labcorp Genetics (formerly Invitae), Labcorp); PubMed 11122099 (cited by Labcorp Genetics (formerly Invitae), Labcorp); PubMed 10094553 (cited by Labcorp Genetics (formerly Invitae), Labcorp); PubMed 17576681 (cited by Labcorp Genetics (formerly Invitae), Labcorp); PubMed 9536098 (cited by Labcorp Genetics (formerly Invitae), Labcorp).

NM_000133.4(F9):c.88G>A (p.Val30Ile)

Gene: F9 (coagulation factor IX; plus strand). Cytogenetic location: Xq27.1.
Variant type: single nucleotide variant.
Coding change: c.88G>A on transcript NM_000133.4 (MANE Select); coding-DNA position 88, G replaced by A.
Protein change: p.Val30Ile; replaces valine 30 with isoleucine.
Molecular consequence: missense variant.
Genome position (GRCh38, 1-based): chrX:139,530,852, G>A. VCF-style: chrX-139530852-G-A. GRCh37 (hg19) VCF-style: chrX-138613011-G-A.
Other names: NM_000133.3(F9):c.88G>A; p.Val30Ile; c.88G>A, p.Val30Ile (NM_001313913.2); short protein forms V30I.
Identifiers: ClinVar variation 651569 (VCV000651569.9), dbSNP rs1603263395, ClinGen allele CA414434500.